The following is an entry in ClinVar:

NM_005121.3(MED13):c.6283T>A (p.Phe2095Ile)

Gene: MED13 (mediator complex subunit 13; minus strand). Cytogenetic location: 17q23.2.
Variant type: single nucleotide variant.
Coding change: c.6283T>A on transcript NM_005121.3 (MANE Select); coding-DNA position 6283, T replaced by A.
Protein change: p.Phe2095Ile; replaces phenylalanine 2095 with isoleucine.
Molecular consequence: missense variant.
Genome position (GRCh38, 1-based): chr17:61,950,833, A>T on the plus strand (T>A on the coding strand, the complement: MED13 is on the minus strand). VCF-style: chr17-61950833-A-T. GRCh37 (hg19) VCF-style: chr17-60028194-A-T.
Other names: short protein forms F2095I.
Identifiers: ClinVar variation 2430462 (VCV002430462.1), dbSNP rs2509202339, ClinGen allele CA400500675.

ClinVar aggregate classification (germline): Uncertain significance (1 of 4 stars; one submission).

Submission:

GeneDx
Classification: Uncertain significance. Last evaluated: 2022-08-20. Review status: criteria provided, single submitter. Criteria: GeneDx Variant Classification Process June 2021. Collection method: clinical testing. Allele origin: germline. Affected: yes.
Comment: Not observed at significant frequency in large population cohorts (gnomAD); In silico analysis supports that this missense variant has a deleterious effect on protein structure/function; Has not been previously published as pathogenic or benign to our knowledge